The following is an entry in ClinVar:

ClinVar aggregate classification (germline): Uncertain significance (1 of 4 stars; one submission).

Submission:

GeneDx
Classification: Uncertain significance. Last evaluated: 2024-11-18. Review status: criteria provided, single submitter. Criteria: GeneDx Variant Classification Process June 2021. Collection method: clinical testing. Allele origin: germline. Affected: yes.
Comment: Not observed at significant frequency in large population cohorts (gnomAD); In silico analysis indicates that this missense variant does not alter protein structure/function; Has not been previously published as pathogenic or benign to our knowledge

NM_014927.5(CNKSR2):c.2989T>A (p.Phe997Ile)

Gene: CNKSR2 (connector enhancer of kinase suppressor of Ras 2; plus strand). Cytogenetic location: Xp22.12.
Variant type: single nucleotide variant.
Coding change: c.2989T>A on transcript NM_014927.5 (MANE Select); coding-DNA position 2989, T replaced by A.
Protein change: p.Phe997Ile; replaces phenylalanine 997 with isoleucine.
Molecular consequence: missense variant.
Genome position (GRCh38, 1-based): chrX:21,652,405, T>A. VCF-style: chrX-21652405-T-A. GRCh37 (hg19) VCF-style: chrX-21670523-T-A.
Other names: c.2899T>A, p.Phe967Ile (NM_001168647.3); c.2842T>A, p.Phe948Ile (NM_001330770.2); c.2752T>A, p.Phe918Ile (NM_001330772.2); short protein forms F918I, F948I, F967I, F997I.
Identifiers: ClinVar variation 3899795 (VCV003899795.1).